The following is an entry in ClinVar:

ClinVar aggregate classification (germline): Pathogenic/Likely pathogenic. Review status: criteria provided, multiple submitters, no conflicts (2 of 4 stars). 2 submissions from 2 submitters: Pathogenic (1); Likely pathogenic (1). Last evaluated 2025-04-17.

Conditions:
Intellectual disability, autosomal recessive 53 (NEDHSCA). Also called: GLYCOSYLPHOSPHATIDYLINOSITOL BIOSYNTHESIS DEFECT 13; Mental retardation, autosomal recessive 53; NEURODEVELOPMENTAL DISORDER WITH OR WITHOUT HYPOTONIA, SEIZURES, AND CEREBELLAR ATROPHY. Identifiers: Orphanet 488635, MedGen C4310794, MONDO:0014832, OMIM 616917.

Submissions (2):

Labcorp Genetics (formerly Invitae), Labcorp
Classification: Pathogenic for Intellectual disability, autosomal recessive 53. Last evaluated: 2025-04-17. Review status: criteria provided, single submitter. Criteria: Invitae Variant Classification Sherloc (09022015). Collection method: clinical testing. Allele origin: germline.
Comment: This sequence change creates a premature translational stop signal (p.Phe921Serfs*5) in the PIGG gene. While this is not anticipated to result in nonsense mediated decay, it is expected to disrupt the last 63 amino acid(s) of the PIGG protein. This variant is not present in population databases (gnomAD no frequency). This variant has not been reported in the literature in individuals affected with PIGG-related conditions. ClinVar contains an entry for this variant (Variation ID: 2878500). This variant disrupts a region of the PIGG protein in which other variant(s) (p.Tyr934*) have been determined to be pathogenic (PMID: 34113002). This suggests that this is a clinically significant region of the protein, and that variants that disrupt it are likely to be disease-causing. For these reasons, this variant has been classified as Pathogenic.

Dasa
Classification: Likely pathogenic. Last evaluated: 2025-04-11. Review status: criteria provided, single submitter. Criteria: DASA Assertion Criteria. Collection method: clinical testing. Allele origin: germline.
Comment: NM_001127178.3(PIGG):c.2760del (p.Phe921Serfs*5) is a frameshift variant in PIGG predicted to alter the reading frame and introduce a premature termination codon and is predicted to result in an absent or altered protein product. Loss of function is an established disease mechanism for PIGG-associated disorders. Also, this variant is absent from population databases. Based on the currently available evidence, this variant is classified as likely pathogenic.

Literature cited by the submitters: PubMed 34113002 (cited by Labcorp Genetics (formerly Invitae), Labcorp).

NM_001127178.3(PIGG):c.2760del (p.Phe921fs)

Gene: PIGG (phosphatidylinositol glycan anchor biosynthesis class G (EMM blood group); plus strand). Cytogenetic location: 4p16.3.
Variant type: Deletion.
Coding change: c.2760del on transcript NM_001127178.3 (MANE Select); coding-DNA position 2760, one base deleted (C; older notation c.2760delC).
Protein change: p.Phe921fs; shifts the reading frame from phenylalanine 921.
Molecular consequence: frameshift variant. On other transcripts: non-coding transcript variant (10).
Genome position (GRCh38, 1-based): chr4:539,177, C deleted. VCF-style (leftmost placement, unchanged base first): chr4-539176-GC-G. GRCh37 (hg19) VCF-style: chr4-532965-GC-G.
Other names: c.1227del, p.Phe410fs (NM_001345991.2, NM_001345990.2); c.1662del, p.Phe555fs (NM_001345994.2); c.2736del, p.Phe913fs (NM_017733.5); c.2493del, p.Phe832fs (NM_001289051.2, NM_001345986.2); c.2361del, p.Phe788fs (NM_001289052.2); c.2469del, p.Phe824fs (NM_001345987.2); c.1731del, p.Phe578fs (NM_001345988.2); short protein forms F555fs, F410fs, F788fs, F913fs, F921fs, F578fs, F824fs, F832fs.
Identifiers: ClinVar variation 2878500 (VCV002878500.5), dbSNP rs2475197732, ClinGen allele CA2739270001.